The following is an entry in ClinVar:

ClinVar aggregate classification (germline): Uncertain significance (1 of 4 stars; one submission).

Conditions:
CHARGE syndrome (CHARGE). Also called: Hittner Hirsch Kreh syndrome; CHARGE ASSOCIATION--COLOBOMA, HEART ANOMALY, CHOANAL ATRESIA, RETARDATION, GENITAL AND EAR ANOMALIES; Coloboma, heart anomaly, choanal atresia, retardation, genital and ear anomalies; CHARGE association; Hall-Hittner syndrome. Identifiers: Orphanet 138, MedGen C0265354, MONDO:0008965.

Submission:

Labcorp Genetics (formerly Invitae), Labcorp
Classification: Uncertain significance for CHARGE syndrome. Last evaluated: 2023-04-14. Review status: criteria provided, single submitter. Criteria: Invitae Variant Classification Sherloc (09022015). Collection method: clinical testing. Allele origin: germline.
Comment: This sequence change replaces phenylalanine, which is neutral and non-polar, with valine, which is neutral and non-polar, at codon 53 of the SEMA3E protein (p.Phe53Val). In summary, the available evidence is currently insufficient to determine the role of this variant in disease. Therefore, it has been classified as a Variant of Uncertain Significance. An algorithm developed to predict the effect of missense changes on protein structure and function (PolyPhen-2) suggests that this variant is likely to be tolerated. This variant has not been reported in the literature in individuals affected with SEMA3E-related conditions. This variant is not present in population databases (gnomAD no frequency).

NM_012431.3(SEMA3E):c.157T>G (p.Phe53Val)

Gene: SEMA3E (semaphorin 3E; minus strand). Cytogenetic location: 7q21.11.
Variant type: single nucleotide variant.
Coding change: c.157T>G on transcript NM_012431.3 (MANE Select); coding-DNA position 157, T replaced by G.
Protein change: p.Phe53Val; replaces phenylalanine 53 with valine.
Molecular consequence: missense variant. On other transcripts: 5 prime UTR variant (1).
Genome position (GRCh38, 1-based): chr7:83,490,233, A>C on the plus strand (T>G on the coding strand, the complement: SEMA3E is on the minus strand). VCF-style: chr7-83490233-A-C. GRCh37 (hg19) VCF-style: chr7-83119549-A-C.
Other names: c.-24T>G (NM_001178129.2); short protein forms F53V.
Identifiers: ClinVar variation 2856314 (VCV002856314.3), dbSNP rs2484488033, ClinGen allele CA367937718.